The following is an entry in ClinVar:

ClinVar aggregate classification (germline): Benign (1 of 4 stars; one submission).

Conditions:
Pulmonary hypertension, primary, 1 (PPH1). Also called: Pulmonary hypertension, familial primary, 1, with or without HHT. Identifiers: Orphanet 422, MedGen C4552070, MONDO:0024533, OMIM 178600.

Allele frequency attached by ClinVar (database versions not stated): TOPMed 0.00034; gnomAD 0.00041; 1000 Genomes Project 0.00060; 1000 Genomes Project 30x 0.00062.

Submission:

Illumina Laboratory Services, Illumina
Classification: Benign for Pulmonary hypertension, primary, 1. Last evaluated: 2018-01-12. Review status: criteria provided, single submitter. Criteria: ICSL Variant Classification Criteria 13 December 2019. Collection method: clinical testing. Allele origin: germline.
Comment: This variant was observed in the ICSL laboratory as part of a predisposition screen in an ostensibly healthy population. It had not been previously curated by ICSL or reported in the Human Gene Mutation Database (HGMD: prior to June 1st, 2018), and was therefore a candidate for classification through an automated scoring system. Utilizing variant allele frequency, disease prevalence and penetrance estimates, and inheritance mode, an automated score was calculated to assess if this variant is too frequent to cause the disease. Based on the score and internal cut-off values, a variant classified as benign is not then subjected to further curation. The score for this variant resulted in a classification of benign for this disease.

NM_001204.7(BMPR2):c.*6108G>T

Gene: BMPR2 (bone morphogenetic protein receptor type 2; plus strand). Cytogenetic location: 2q33.2.
Variant type: single nucleotide variant.
Coding change: c.*6108G>T on transcript NM_001204.7 (MANE Select); 6108 bases downstream of the stop codon, G replaced by T.
Molecular consequence: 3 prime UTR variant.
Genome position (GRCh38, 1-based): chr2:202,566,054, G>T. VCF-style: chr2-202566054-G-T. GRCh37 (hg19) VCF-style: chr2-203430777-G-T.
Other names: c.*6108G>T (LRG_712t1).
Identifiers: ClinVar variation 333719 (VCV000333719.5), dbSNP rs192721303, ClinGen allele CA10612536.